The following is an entry in ClinVar:

ClinVar aggregate classification (germline): Pathogenic (1 of 4 stars; one submission).

Submission:

Labcorp Genetics (formerly Invitae), Labcorp
Classification: Pathogenic. Last evaluated: 2024-04-27. Review status: criteria provided, single submitter. Criteria: Invitae Variant Classification Sherloc (09022015). Collection method: clinical testing. Allele origin: germline.
Comment: This sequence change creates a premature translational stop signal (p.Pro418Leufs*15) in the POLE gene. It is expected to result in an absent or disrupted protein product. Loss-of-function variants in POLE are known to be pathogenic (PMID: 23230001, 25948378, 30503519). This variant is not present in population databases (gnomAD no frequency). This variant has not been reported in the literature in individuals affected with POLE-related conditions. For these reasons, this variant has been classified as Pathogenic.

Literature cited by the submitters: PubMed 23230001; PubMed 25948378; PubMed 30503519.

NM_006231.4(POLE):c.1251del (p.Pro418fs)

Gene: POLE (DNA polymerase epsilon, catalytic subunit; minus strand). Cytogenetic location: 12q24.33.
Variant type: Deletion.
Coding change: c.1251del on transcript NM_006231.4 (MANE Select); coding-DNA position 1251, one base deleted (T; older notation c.1251delT).
Protein change: p.Pro418fs; shifts the reading frame from proline 418.
Molecular consequence: frameshift variant.
Genome position (GRCh38, 1-based): chr12:132,673,683, A deleted on the plus strand (T on the coding strand, the reverse complement: POLE is on the minus strand); the first of 2 consecutive A bases (chr12:132,673,683-132,673,684); deleting either gives the same sequence. VCF-style (leftmost placement, unchanged base first): chr12-132673682-GA-G. GRCh37 (hg19) VCF-style: chr12-133250268-GA-G.
Other names: short protein forms P418fs.
Identifiers: ClinVar variation 3651315 (VCV003651315.2).
Genomic context (GRCh38, chr12:132,673,682, plus strand): 5'-CCACGGGATCATAGCCTAGCTTGGCCTTGGCGGCCGCCTTGAGATTATGACTGCCCACAG[GA>G]AGGTAACTGTCCCTCTTCACCCACCTGGAAGGAGAATGAGAACAGAAGCCAGGATGATTC-3'